The following is an entry in ClinVar:

NM_000218.3(KCNQ1):c.1320C>T (p.Val440=)

Gene: KCNQ1 (potassium voltage-gated channel subfamily Q member 1; plus strand). Cytogenetic location: 11p15.5.
Variant type: single nucleotide variant.
Coding change: c.1320C>T on transcript NM_000218.3 (MANE Select); coding-DNA position 1320, C replaced by T.
Protein change: p.Val440=; no amino-acid change (valine 440 retained).
Molecular consequence: synonymous variant.
Genome position (GRCh38, 1-based): chr11:2,588,781, C>T. VCF-style: chr11-2588781-C-T. GRCh37 (hg19) VCF-style: chr11-2610011-C-T.
Other names: c.1224C>T, p.Val408= (NM_001406836.1); c.1050C>T, p.Val350= (NM_001406837.1); c.780C>T, p.Val260= (NM_001406838.1); c.939C>T, p.Val313= (NM_181798.2).
Identifiers: ClinVar variation 919482 (VCV000919482.14), dbSNP rs781151116, ClinGen allele CA472039837.

ClinVar aggregate classification (germline): Likely benign. Review status: criteria provided, multiple submitters, no conflicts (2 of 4 stars). 4 submissions from 4 submitters: Likely benign (4). Last evaluated 2025-10-01.

Conditions:
Cardiac arrhythmia. Also called: Cardiac rhythm disease; Arrhythmia. Identifiers: MedGen C0003811, MONDO:0007263, HP:0011675.
Long QT syndrome (LQTS). Identifiers: MedGen C0023976, MeSH D008133, MONDO:0002442. Disease mechanism: loss of function. Inheritance: Various modes of inheritance.

gnomAD v4.1: 8 of 1,613,452 alleles (0.0005%); highest among the groups gnomAD compares: Middle Eastern, 0.017%; no homozygotes.

Submissions (4):

CeGaT Center for Human Genetics Tuebingen
Classification: Likely benign. Last evaluated: 2025-10-01. Review status: criteria provided, single submitter. Criteria: CeGaT Center For Human Genetics Tuebingen Variant Classification Criteria Version 2. Collection method: clinical testing. Allele origin: germline. Affected: yes. Observed: 1 variant allele.
Comment: KCNQ1: BP4, BP7

Labcorp Genetics (formerly Invitae), Labcorp
Classification: Likely benign for Long QT syndrome. Last evaluated: 2024-12-04. Review status: criteria provided, single submitter. Criteria: Invitae Variant Classification Sherloc (09022015). Collection method: clinical testing. Allele origin: germline.

Blueprint Genetics
Classification: Likely benign. Last evaluated: 2024-08-15. Review status: criteria provided, single submitter. Criteria: ACMG Guidelines, 2015. Collection method: clinical testing. Allele origin: germline.

Color Diagnostics, LLC DBA Color Health
Classification: Likely benign for Arrhythmia. Last evaluated: 2018-11-03. Review status: criteria provided, single submitter. Criteria: ACMG Guidelines, 2015. Collection method: clinical testing. Allele origin: germline.